The following is an entry in ClinVar:

ClinVar aggregate classification (germline): Conflicting classifications of pathogenicity. Review status: criteria provided, conflicting classifications (1 of 4 stars). 5 submissions from 5 submitters: Uncertain significance (3); Likely benign (1). 1 of the submissions does not count toward it. Last evaluated 2024-02-14.

Conditions:
Autosomal recessive limb-girdle muscular dystrophy type 2C (LGMDR5). Also called: MUSCULAR DYSTROPHY, DUCHENNE-LIKE; MUSCULAR DYSTROPHY, LIMB-GIRDLE, AUTOSOMAL RECESSIVE 5. Identifiers: Orphanet 353, MedGen C0410173, MONDO:0009677, OMIM 253700. Disease mechanism: Affects gamma-sarcoglycan and also disrupts the integrity of the entire sarcoglycan complex..

Allele frequency attached by ClinVar (database versions not stated): ExAC 0.00001; gnomAD exomes 0.00003 and 0.00014; gnomAD 0.00054 and 0.00058; TOPMed 0.00054.
gnomAD v4.1: 122 of 1,613,974 alleles (0.0076%); highest among the groups gnomAD compares: Admixed American, 0.2%; no homozygotes.

Submissions (5):

Athena Diagnostics
Classification: Likely benign. Last evaluated: 2024-02-14. Review status: criteria provided, single submitter. Criteria: Athena Diagnostics Criteria. Collection method: clinical testing. Allele origin: unknown.

Labcorp Genetics (formerly Invitae), Labcorp
Classification: Uncertain significance for Autosomal recessive limb-girdle muscular dystrophy type 2C. Last evaluated: 2022-08-16. Review status: criteria provided, single submitter. Criteria: Invitae Variant Classification Sherloc (09022015). Collection method: clinical testing. Allele origin: germline.
Comment: This sequence change replaces asparagine, which is neutral and polar, with aspartic acid, which is acidic and polar, at codon 20 of the SGCG protein (p.Asn20Asp). This variant is present in population databases (rs763248287, gnomAD 0.1%). This variant has not been reported in the literature in individuals affected with SGCG-related conditions. ClinVar contains an entry for this variant (Variation ID: 195047). Algorithms developed to predict the effect of missense changes on protein structure and function output the following: SIFT: "Tolerated"; PolyPhen-2: "Benign"; Align-GVGD: "Class C0". The aspartic acid amino acid residue is found in multiple mammalian species, which suggests that this missense change does not adversely affect protein function. In summary, the available evidence is currently insufficient to determine the role of this variant in disease. Therefore, it has been classified as a Variant of Uncertain Significance.

Eurofins Ntd Llc (ga)
Classification: Uncertain significance. Last evaluated: 2015-01-15. Review status: criteria provided, single submitter. Criteria: EGL Classification Definitions 2015. Collection method: clinical testing. Allele origin: germline. Observed: 1 variant allele, 1 heterozygote.

Breakthrough Genomics
Classification: Uncertain significance. Review status: criteria provided, single submitter. Criteria: ACMG Guidelines, 2015. Collection method: not provided. Allele origin: germline. Inheritance: Autosomal recessive inheritance. Affected: yes.

Natera, Inc.
Classification: Uncertain significance for Limb-girdle muscular dystrophy type 2C. Last evaluated: 2019-11-11. Review status: no assertion criteria provided. Collection method: clinical testing. Allele origin: germline. Not counted in ClinVar's aggregate classification.

NM_000231.3(SGCG):c.58A>G (p.Asn20Asp)

Gene: SGCG (sarcoglycan gamma; plus strand). Cytogenetic location: 13q12.12.
Variant type: single nucleotide variant.
Coding change: c.58A>G on transcript NM_000231.3 (MANE Select); coding-DNA position 58, A replaced by G.
Protein change: p.Asn20Asp; replaces asparagine 20 with aspartic acid.
Molecular consequence: missense variant.
Genome position (GRCh38, 1-based): chr13:23,203,752, A>G. VCF-style: chr13-23203752-A-G. GRCh37 (hg19) VCF-style: chr13-23777891-A-G.
Other names: c.112A>G, p.Asn38Asp (NM_001378244.1); c.58A>G, p.Asn20Asp (NM_001378245.1, NM_001378246.1); short protein forms N20D, N38D.
Identifiers: ClinVar variation 195047 (VCV000195047.13), dbSNP rs763248287, ClinGen allele CA241313.